The following is an entry in ClinVar:

NM_001127198.5(TMC6):c.1726G>A (p.Glu576Lys)

Gene: TMC6 (transmembrane channel like 6; minus strand). Cytogenetic location: 17q25.3.
Variant type: single nucleotide variant.
Coding change: c.1726G>A on transcript NM_001127198.5 (MANE Select); coding-DNA position 1726, G replaced by A.
Protein change: p.Glu576Lys; replaces glutamic acid 576 with lysine.
Molecular consequence: missense variant. On other transcripts: non-coding transcript variant (4).
Genome position (GRCh38, 1-based): chr17:78,119,382, C>T on the plus strand (G>A on the coding strand, the complement: TMC6 is on the minus strand). VCF-style: chr17-78119382-C-T. GRCh37 (hg19) VCF-style: chr17-76115463-C-T.
Other names: c.1726G>A, p.Glu576Lys (NM_001321185.1, NM_001374596.1, NM_001375353.1 and 2 more transcripts); c.1546G>A, p.Glu516Lys (NM_001374593.1, NM_001374594.1); short protein forms E516K, E576K.
Identifiers: ClinVar variation 2049946 (VCV002049946.4), dbSNP rs121908328, ClinGen allele CA8795585.

ClinVar aggregate classification (germline): Uncertain significance. Review status: criteria provided, multiple submitters, no conflicts (2 of 4 stars). 2 submissions from 2 submitters: Uncertain significance (2). Last evaluated 2024-10-21.

Conditions:
Inborn genetic diseases. Identifiers: MedGen C0950123, MeSH D030342.
Epidermodysplasia verruciformis. Identifiers: Orphanet 302, MedGen C0014522, MONDO:0009176.

Allele frequency attached by ClinVar (database versions not stated): gnomAD 0.00002; ExAC 0.00006; gnomAD exomes 0.00002; TOPMed 0.00003.
gnomAD v4.1: 27 of 1,613,170 alleles (0.0017%); highest among the groups gnomAD compares: East Asian, 0.027%; no homozygotes.

Submissions (2):

Labcorp Genetics (formerly Invitae), Labcorp
Classification: Uncertain significance for Epidermodysplasia verruciformis. Last evaluated: 2024-10-21. Review status: criteria provided, single submitter. Criteria: Invitae Variant Classification Sherloc (09022015). Collection method: clinical testing. Allele origin: germline.
Comment: This sequence change replaces glutamic acid, which is acidic and polar, with lysine, which is basic and polar, at codon 576 of the TMC6 protein (p.Glu576Lys). This variant is present in population databases (rs121908328, gnomAD 0.06%). This variant has not been reported in the literature in individuals affected with TMC6-related conditions. ClinVar contains an entry for this variant (Variation ID: 2049946). An algorithm developed to predict the effect of missense changes on protein structure and function (PolyPhen-2) suggests that this variant is likely to be disruptive. In summary, the available evidence is currently insufficient to determine the role of this variant in disease. Therefore, it has been classified as a Variant of Uncertain Significance.

Ambry Genetics
Classification: Uncertain significance for Inborn genetic diseases. Last evaluated: 2024-07-05. Review status: criteria provided, single submitter. Criteria: Ambry Variant Classification Scheme 2023. Collection method: clinical testing. Allele origin: germline.